The following is an entry in ClinVar:

NM_212482.4(FN1):c.4012G>A (p.Val1338Ile)

Gene: FN1 (fibronectin 1; minus strand). Cytogenetic location: 2q35.
Variant type: single nucleotide variant.
Coding change: c.4012G>A on transcript NM_212482.4 (MANE Select); coding-DNA position 4012, G replaced by A.
Protein change: p.Val1338Ile; replaces valine 1338 with isoleucine.
Molecular consequence: missense variant. On other transcripts: intron variant (10).
Genome position (GRCh38, 1-based): chr2:215,392,988, C>T on the plus strand (G>A on the coding strand, the complement: FN1 is on the minus strand). VCF-style: chr2-215392988-C-T. GRCh37 (hg19) VCF-style: chr2-216257711-C-T.
Other names: c.3797-1174G>A (NM_001306131.2, NM_212476.3, NM_001365524.2 and 7 more transcripts); c.4012G>A, p.Val1338Ile (NM_001306129.2, NM_001306130.2, NM_001365517.2 and 3 more transcripts); short protein forms V1338I.
Identifiers: ClinVar variation 3095951 (VCV003095951.4), dbSNP rs375642491, ClinGen allele CA2094554.

ClinVar aggregate classification (germline): Conflicting classifications of pathogenicity. Review status: criteria provided, conflicting classifications (1 of 4 stars). 4 submissions from 4 submitters: Uncertain significance (3); Likely benign (1). Last evaluated 2026-02-03.

Conditions:
Glomerulopathy with fibronectin deposits 2 (GFND2). Identifiers: Orphanet 84090, MedGen C1866075, MONDO:0011165, OMIM 601894.
Spondylometaphyseal dysplasia - Sutcliffe type. Also called: Sutcliffe type of spondylometaphyseal dysplasia; Sutcliffe SMD; Spondylometaphyseal Dysplasia, Corner Fracture Type; Spondylometaphyseal dysplasia, 'corner fracture' type. Identifiers: Orphanet 93315, MedGen C0432221, MONDO:0008479, OMIM 184255.
Inborn genetic diseases. Identifiers: MedGen C0950123, MeSH D030342.

Allele frequency attached by ClinVar (database versions not stated): TOPMed 0.00008; 1000 Genomes Project 30x 0.00016; ESP Exome Variant Server 0.00017; gnomAD exomes 0.00001; ExAC 0.00002; gnomAD 0.00006; 1000 Genomes Project 0.00020.
gnomAD v4.1: 20 of 1,613,732 alleles (0.0012%); highest among the groups gnomAD compares: African/African-American, 0.013%; no homozygotes.

Submissions (4):

Labcorp Genetics (formerly Invitae), Labcorp
Classification: Uncertain significance. Last evaluated: 2026-02-03. Review status: criteria provided, single submitter. Criteria: Invitae Variant Classification Sherloc (09022015). Collection method: clinical testing. Allele origin: germline.
Comment: This sequence change replaces valine, which is neutral and non-polar, with isoleucine, which is neutral and non-polar, at codon 1338 of the FN1 protein (p.Val1338Ile). This variant is present in population databases (rs375642491, gnomAD 0.008%). This variant has not been reported in the literature in individuals affected with FN1-related conditions. ClinVar contains an entry for this variant (Variation ID: 3095951). An algorithm developed to predict the effect of missense changes on protein structure and function (PolyPhen-2) suggests that this variant is likely to be disruptive. In summary, the available evidence is currently insufficient to determine the role of this variant in disease. Therefore, it has been classified as a Variant of Uncertain Significance.

Fulgent Genetics
Classification: Likely benign for Spondylometaphyseal dysplasia - Sutcliffe type; Glomerulopathy with fibronectin deposits 2. Last evaluated: 2024-06-23. Review status: criteria provided, single submitter. Criteria: ACMG Guidelines, 2015. Collection method: clinical testing. Allele origin: germline.

Ambry Genetics
Classification: Uncertain significance for Inborn genetic diseases. Last evaluated: 2024-01-17. Review status: criteria provided, single submitter. Criteria: Ambry Variant Classification Scheme 2023. Collection method: clinical testing. Allele origin: germline.

GeneDx
Classification: Uncertain significance. Last evaluated: 2023-07-03. Review status: criteria provided, single submitter. Criteria: GeneDx Variant Classification Process June 2021. Collection method: clinical testing. Allele origin: germline. Affected: yes.
Comment: In silico analysis supports that this missense variant does not alter protein structure/function; Has not been previously published as pathogenic or benign to our knowledge